The following is an entry in ClinVar:

ClinVar aggregate classification (germline): Benign. Review status: criteria provided, multiple submitters, no conflicts (2 of 4 stars). 3 submissions from 3 submitters: Benign (2). 1 of the submissions does not count toward it. Last evaluated 2018-07-04.

Conditions:
SPN-related disorder. Also called: SPN-related condition.

Allele frequency attached by ClinVar (database versions not stated): gnomAD exomes 0.00312 and 0.00970; gnomAD 0.00359 and 0.00490; TOPMed 0.00489; ESP Exome Variant Server 0.00062; ExAC 0.00889; 1000 Genomes Project 30x 0.02327; 1000 Genomes Project 0.02436.
gnomAD v4.1: 5,549 of 1,614,010 alleles (0.34%); highest among the groups gnomAD compares: East Asian, 8.9%; 242 homozygotes.

Submissions (3):

Labcorp Genetics (formerly Invitae), Labcorp
Classification: Benign. Last evaluated: 2018-07-04. Review status: criteria provided, single submitter. Criteria: Invitae Variant Classification Sherloc (09022015). Collection method: clinical testing. Allele origin: germline.

Breakthrough Genomics
Classification: Benign. Review status: criteria provided, single submitter. Criteria: ACMG Guidelines, 2015. Collection method: not provided. Allele origin: germline. Inheritance: Unknown mechanism. Affected: yes.

PreventionGenetics, part of Exact Sciences
Classification: Benign for SPN-related condition. Last evaluated: 2019-05-23. Review status: no assertion criteria provided. Collection method: clinical testing. Allele origin: germline. Not counted in ClinVar's aggregate classification.
Comment: This variant is classified as benign based on ACMG/AMP sequence variant interpretation guidelines (Richards et al. 2015 PMID: 25741868, with internal and published modifications).

NM_003123.6(SPN):c.277A>G (p.Thr93Ala)

Gene: SPN (sialophorin; plus strand). Cytogenetic location: 16p11.2.
Variant type: single nucleotide variant.
Coding change: c.277A>G on transcript NM_003123.6 (MANE Select); coding-DNA position 277, A replaced by G.
Protein change: p.Thr93Ala; replaces threonine 93 with alanine.
Molecular consequence: missense variant.
Genome position (GRCh38, 1-based): chr16:29,664,005, A>G. VCF-style: chr16-29664005-A-G. GRCh37 (hg19) VCF-style: chr16-29675326-A-G.
Other names: c.277A>G, p.Thr93Ala (NM_001030288.4); short protein forms T93A.
Identifiers: ClinVar variation 790877 (VCV000790877.6), dbSNP rs2229654, ClinGen allele CA7992151.